The following is an entry in ClinVar:

NM_001387430.1(SH2B1):c.401del (p.Pro134fs)

Gene: SH2B1 (SH2B adaptor protein 1; plus strand). Cytogenetic location: 16p11.2.
Variant type: Deletion.
Coding change: c.401del on transcript NM_001387430.1 (MANE Select); coding-DNA position 401, one base deleted (C; older notation c.401delC).
Protein change: p.Pro134fs; shifts the reading frame from proline 134.
Molecular consequence: frameshift variant. On other transcripts: intron variant (1).
Genome position (GRCh38, 1-based): chr16:28,866,495, C deleted; the last of 3 consecutive C bases (chr16:28,866,493-28,866,495); deleting any one gives the same sequence. VCF-style (leftmost placement, unchanged base first): chr16-28866492-TC-T. GRCh37 (hg19) VCF-style: chr16-28877813-TC-T.
Other names: c.401del, p.Pro134fs (NM_001145795.2, NM_001145796.2, NM_001145797.2 and 4 more transcripts); c.-26-879del (NM_001308294.2); short protein forms P134fs.
Identifiers: ClinVar variation 3348845 (VCV003348845.1).

ClinVar aggregate classification (germline): Uncertain significance (0 of 4 stars; one submission).

Conditions:
SH2B1-related disorder. Also called: SH2B1-related condition.

Submission:

PreventionGenetics, part of Exact Sciences
Classification: Uncertain significance for SH2B1-related condition. Last evaluated: 2023-11-30. Review status: no assertion criteria provided. Collection method: clinical testing. Allele origin: germline.
Comment: The SH2B1 c.401delC variant is predicted to result in a frameshift and premature protein termination (p.Pro134Leufs*61). To our knowledge, this variant has not been reported in the literature or in a large population database, indicating this variant is rare. Although we suspect that this variant may be pathogenic, at this time, the clinical significance of this variant is uncertain due to the absence of conclusive functional and genetic evidence.